The following is an entry in ClinVar:

NM_001754.5(RUNX1):c.1145C>T (p.Pro382Leu)

Gene: RUNX1 (RUNX family transcription factor 1; minus strand). Cytogenetic location: 21q22.12.
Variant type: single nucleotide variant.
Coding change: c.1145C>T on transcript NM_001754.5 (MANE Select); coding-DNA position 1145, C replaced by T.
Protein change: p.Pro382Leu; replaces proline 382 with leucine.
Molecular consequence: missense variant.
Genome position (GRCh38, 1-based): chr21:34,792,433, G>A on the plus strand (C>T on the coding strand, the complement: RUNX1 is on the minus strand). VCF-style: chr21-34792433-G-A. GRCh37 (hg19) VCF-style: chr21-36164730-G-A.
Other names: NM_001754.5:c.1145C>T; c.1064C>T, p.Pro355Leu (NM_001001890.3); short protein forms P355L, P382L.
Identifiers: ClinVar variation 3336848 (VCV003336848.2).

ClinVar aggregate classification (germline): Uncertain significance (3 of 4 stars; one submission).

Conditions:
Hereditary thrombocytopenia and hematologic cancer predisposition syndrome. Identifiers: Orphanet 71290, MedGen CN281654, MONDO:0011071.

Submission:

ClinGen Myeloid Malignancy Variant Curation Expert Panel
Classification: Uncertain significance for Hereditary thrombocytopenia and hematologic cancer predisposition syndrome. Last evaluated: 2024-08-12. Review status: reviewed by expert panel. Criteria: ClinGen MyeloMalig ACMG Specifications v2. Collection method: curation. Allele origin: germline. Inheritance: Autosomal dominant inheritance.
Comment: NM_001754.5(RUNX1):c.1145C>T (p.Pro382Leu) is a missense variant which is absent from gnomAD v2 and v3 (PM2_Supporting) and has not been reported as a confirmed germline variant (PMID: 28069802; PMID: 28481359/COSMIC ID: COSV55870444/cBioPortal; PMID: 30761385). The computational predictor, REVEL, gives a score of 0.891, which is above the threshold of 0.88, and is evidence that correlates with impact to RUNX1 function (PP3); to our knowledge, functional assays have not been reported for this variant. In summary, this variant meets the criteria to be classified as a VUS for autosomal dominant hereditary thrombocytopenia and hematologic cancer predisposition syndrome based on the ACMG/AMP criteria applied, as specified by the ClinGen Myeloid Malignancy VCEP: PM2_supporting and PP3.